The following is an entry in ClinVar:

NM_001374828.1(ARID1B):c.3265C>T (p.Pro1089Ser)

Gene: ARID1B (AT-rich interaction domain 1B; plus strand). Cytogenetic location: 6q25.3.
Variant type: single nucleotide variant.
Coding change: c.3265C>T on transcript NM_001374828.1 (MANE Select); coding-DNA position 3265, C replaced by T.
Protein change: p.Pro1089Ser; replaces proline 1089 with serine.
Molecular consequence: missense variant.
Genome position (GRCh38, 1-based): chr6:157,174,037, C>T. VCF-style: chr6-157174037-C-T. GRCh37 (hg19) VCF-style: chr6-157495171-C-T.
Other names: c.3016C>T, p.Pro1006Ser (NM_001346813.1); c.766C>T, p.Pro256Ser (NM_001363725.2); c.3304C>T, p.Pro1102Ser (NM_001371656.1, NM_001374820.1); c.3265C>T, p.Pro1089Ser (NM_017519.3); c.3055C>T, p.Pro1019Ser (NM_020732.3); c.2842C>T, p.Pro948Ser (NM_175863.2); short protein forms P1006S, P1019S, P256S, P1089S, P1102S, P948S.
Identifiers: ClinVar variation 2106172 (VCV002106172.4), dbSNP rs2538250469, ClinGen allele CA366224379.

ClinVar aggregate classification (germline): Uncertain significance (1 of 4 stars; one submission).

Submission:

Labcorp Genetics (formerly Invitae), Labcorp
Classification: Uncertain significance. Last evaluated: 2022-03-04. Review status: criteria provided, single submitter. Criteria: Invitae Variant Classification Sherloc (09022015). Collection method: clinical testing. Allele origin: germline.
Comment: In summary, the available evidence is currently insufficient to determine the role of this variant in disease. Therefore, it has been classified as a Variant of Uncertain Significance. Algorithms developed to predict the effect of missense changes on protein structure and function (SIFT, PolyPhen-2, Align-GVGD) all suggest that this variant is likely to be tolerated. This variant has not been reported in the literature in individuals affected with ARID1B-related conditions. This variant is not present in population databases (gnomAD no frequency). This sequence change replaces proline, which is neutral and non-polar, with serine, which is neutral and polar, at codon 1019 of the ARID1B protein (p.Pro1019Ser).